The following is an entry in ClinVar:

ClinVar aggregate classification (germline): Benign. Review status: criteria provided, multiple submitters, no conflicts (2 of 4 stars). 2 submissions from 2 submitters: Benign (2). Last evaluated 2018-01-13.

Conditions:
Pseudohypoaldosteronism type 2C (PHA2C). Also called: Pseudohypoaldosteronism Type IIC. Identifiers: Orphanet 757, Orphanet 88940, MedGen C1840391, MONDO:0013778, OMIM 614492.

Allele frequency attached by ClinVar (database versions not stated): gnomAD 0.00078 and 0.00098; TOPMed 0.00081; 1000 Genomes Project 30x 0.00219; 1000 Genomes Project 0.00240.
gnomAD v4.1: 2,196 of 1,599,764 alleles (0.14%); highest among the groups gnomAD compares: South Asian, 0.88%; 19 homozygotes.

Submissions (2):

Illumina Laboratory Services, Illumina
Classification: Benign for Pseudohypoaldosteronism type 2C. Last evaluated: 2018-01-13. Review status: criteria provided, single submitter. Criteria: ICSL Variant Classification Criteria 13 December 2019. Collection method: clinical testing. Allele origin: germline.
Comment: This variant was observed in the ICSL laboratory as part of a predisposition screen in an ostensibly healthy population. It had not been previously curated by ICSL or reported in the Human Gene Mutation Database (HGMD: prior to June 1st, 2018), and was therefore a candidate for classification through an automated scoring system. Utilizing variant allele frequency, disease prevalence and penetrance estimates, and inheritance mode, an automated score was calculated to assess if this variant is too frequent to cause the disease. Based on the score and internal cut-off values, a variant classified as benign is not then subjected to further curation. The score for this variant resulted in a classification of benign for this disease.

Breakthrough Genomics
Classification: Benign. Review status: criteria provided, single submitter. Criteria: ACMG Guidelines, 2015. Collection method: not provided. Allele origin: germline. Inheritance: Autosomal recessive inheritance. Affected: yes.

NM_018979.4(WNK1):c.-71G>A

Gene: WNK1 (WNK lysine deficient protein kinase 1; plus strand). Cytogenetic location: 12p13.33.
Variant type: single nucleotide variant.
Coding change: c.-71G>A on transcript NM_018979.4 (MANE Select); 71 bases upstream of the start codon, G replaced by A.
Molecular consequence: 5 prime UTR variant.
Genome position (GRCh38, 1-based): chr12:753,495, G>A. VCF-style: chr12-753495-G-A. GRCh37 (hg19) VCF-style: chr12-862661-G-A.
Other names: c.-71G>A (NM_001184985.2, NM_014823.3, NM_213655.5).
Identifiers: ClinVar variation 310534 (VCV000310534.6), dbSNP rs140209689, ClinGen allele CA10643377.